The following is an entry in ClinVar:

NM_198391.3(FLRT3):c.1134A>C (p.Gln378His)

Genes: FLRT3 (fibronectin leucine rich transmembrane protein 3; minus strand), MACROD2 (mono-ADP ribosylhydrolase 2; plus strand). Cytogenetic location: 20p12.1.
Variant type: single nucleotide variant.
Coding change: c.1134A>C on transcript NM_198391.3 (MANE Select); coding-DNA position 1134, A replaced by C.
Protein change: p.Gln378His; replaces glutamine 378 with histidine.
Molecular consequence: missense variant. On other transcripts: intron variant (3).
Genome position (GRCh38, 1-based): chr20:14,326,373, T>G on the plus strand (A>C on the coding strand, the complement: FLRT3 is on the minus strand). VCF-style: chr20-14326373-T-G. GRCh37 (hg19) VCF-style: chr20-14307019-T-G.
Other names: c.1134A>C, p.Gln378His (NM_013281.4); c.272-167106T>G (NM_001351661.2, NM_001351663.2, NM_080676.6); short protein forms Q378H.
Identifiers: ClinVar variation 1317710 (VCV001317710.39), dbSNP rs36034779, ClinGen allele CA9768945.

ClinVar aggregate classification (germline): Benign/Likely benign. Review status: criteria provided, multiple submitters, no conflicts (2 of 4 stars). 4 submissions from 4 submitters: Benign (2); Likely benign (2). Last evaluated 2026-07-01.

Allele frequency attached by ClinVar (database versions not stated): 1000 Genomes Project 0.00779; 1000 Genomes Project 30x 0.00843; TOPMed 0.01677; ExAC 0.02019; ESP Exome Variant Server 0.02030; gnomAD exomes 0.02435 and 0.01802; gnomAD 0.01768 and 0.01871.
gnomAD v4.1: 37,967 of 1,613,962 alleles (2.4%); highest among the groups gnomAD compares: Non-Finnish European, 2.9%; 587 homozygotes.

Submissions (4):

CeGaT Center for Human Genetics Tuebingen
Classification: Benign. Last evaluated: 2026-07-01. Review status: criteria provided, single submitter. Criteria: CeGaT Center For Human Genetics Tuebingen Variant Classification Criteria Version 2. Collection method: clinical testing. Allele origin: germline. Affected: yes. Observed: 20 variant alleles.
Comment: FLRT3: BP4, BS1, BS2; MACROD2: BS1, BS2

Labcorp Genetics (formerly Invitae), Labcorp
Classification: Benign. Last evaluated: 2026-01-26. Review status: criteria provided, single submitter. Criteria: Invitae Variant Classification Sherloc (09022015). Collection method: clinical testing. Allele origin: germline.

GeneDx
Classification: Likely benign. Last evaluated: 2021-04-09. Review status: criteria provided, single submitter. Criteria: GeneDx Variant Classification Process June 2021. Collection method: clinical testing. Allele origin: germline. Affected: yes.
Comment: This variant is associated with the following publications: (PMID: 29767709)

Breakthrough Genomics
Classification: Likely benign. Review status: criteria provided, single submitter. Criteria: ACMG Guidelines, 2015. Collection method: not provided. Allele origin: germline. Inheritance: Autosomal dominant inheritance. Affected: yes.